The following is an entry in ClinVar:

ClinVar aggregate classification (germline): Uncertain significance (1 of 4 stars; one submission).

Allele frequency attached by ClinVar (database versions not stated): TOPMed 0.00001; ESP Exome Variant Server 0.00008.
gnomAD v4.1: 35 of 1,613,590 alleles (0.0022%); highest among the groups gnomAD compares: Admixed American, 0.0017%; no homozygotes.

Submission:

Labcorp Genetics (formerly Invitae), Labcorp
Classification: Uncertain significance. Last evaluated: 2024-12-16. Review status: criteria provided, single submitter. Criteria: Invitae Variant Classification Sherloc (09022015). Collection method: clinical testing. Allele origin: germline.
Comment: This sequence change replaces arginine, which is basic and polar, with tryptophan, which is neutral and slightly polar, at codon 307 of the SLC13A3 protein (p.Arg307Trp). This variant is present in population databases (rs148358555, gnomAD 0.1%). This variant has not been reported in the literature in individuals affected with SLC13A3-related conditions. ClinVar contains an entry for this variant (Variation ID: 2173422). An algorithm developed to predict the effect of missense changes on protein structure and function (PolyPhen-2) suggests that this variant is likely to be disruptive. Algorithms developed to predict the effect of sequence changes on RNA splicing suggest that this variant may disrupt the consensus splice site. In summary, the available evidence is currently insufficient to determine the role of this variant in disease. Therefore, it has been classified as a Variant of Uncertain Significance.

NM_022829.6(SLC13A3):c.919A>T (p.Arg307Trp)

Gene: SLC13A3 (solute carrier family 13 member 3; minus strand). Cytogenetic location: 20q13.12.
Variant type: single nucleotide variant.
Coding change: c.919A>T on transcript NM_022829.6 (MANE Select); coding-DNA position 919, A replaced by T.
Protein change: p.Arg307Trp; replaces arginine 307 with tryptophan.
Molecular consequence: missense variant.
Genome position (GRCh38, 1-based): chr20:46,592,405, T>A on the plus strand (A>T on the coding strand, the complement: SLC13A3 is on the minus strand). VCF-style: chr20-46592405-T-A. GRCh37 (hg19) VCF-style: chr20-45221044-T-A.
Other names: c.778A>T, p.Arg260Trp (NM_001011554.3, NM_001193340.2); c.769A>T, p.Arg257Trp (NM_001193339.2); c.625A>T, p.Arg209Trp (NM_001193342.2); short protein forms R260W, R307W, R209W, R257W.
Identifiers: ClinVar variation 2173422 (VCV002173422.4), dbSNP rs148358555, ClinGen allele CA9891482.